The following is an entry in ClinVar:

NM_001142800.2(EYS):c.9102dup (p.Asn3035Ter)

Genes: EYS (EGF-like photoreceptor maintenance factor; minus strand), PHF3 (PHD finger protein 3; plus strand). Cytogenetic location: 6q12.
Variant type: Duplication.
Coding change: c.9102dup on transcript NM_001142800.2 (MANE Select); coding-DNA position 9102, one base duplicated (T; older notation c.9102dupT).
Protein change: p.Asn3035Ter; replaces asparagine 3035 with a stop codon.
Molecular consequence: nonsense. On other transcripts: 3 prime UTR variant (5).
Genome position (GRCh38, 1-based): chr6:63,720,929, A duplicated on the plus strand (T on the coding strand, the reverse complement: EYS is on the minus strand). VCF-style (leftmost placement, unchanged base first): chr6-63720928-T-TA. GRCh37 (hg19) VCF-style: chr6-64430824-T-TA.
Other names: c.*7221dup (NM_001290259.2, NM_001370348.2, NM_001370349.2 and 2 more transcripts); c.9165dup, p.Asn3056Ter (NM_001292009.2); c.9102dupT (NM_001142800.2); short protein forms N3035*, N3056*.
Identifiers: ClinVar variation 4537116 (VCV004537116.1).

ClinVar aggregate classification (germline): Pathogenic (1 of 4 stars; one submission).

Conditions:
Retinitis pigmentosa (RP). Identifiers: Orphanet 791, MedGen C0035334, MeSH D012174, MONDO:0019200, OMIM 268000. Inheritance: Autosomal dominant, autosomal recessive and X linked inheritance.

Submission:

Women's Health and Genetics/Laboratory Corporation of America, LabCorp
Classification: Pathogenic for Retinitis pigmentosa. Last evaluated: 2025-11-03. Review status: criteria provided, single submitter. Criteria: LabCorp Variant Classification Summary - May 2015. Collection method: clinical testing. Allele origin: germline.
Comment: Variant summary: EYS c.9102dupT (p.Asn3035X) results in a premature termination codon, predicted to cause a truncation of the encoded protein or absence of the protein due to nonsense mediated decay, which are commonly known mechanisms for disease. The variant was absent in 156262 control chromosomes. To our knowledge, no occurrence of c.9102dupT in individuals affected with EYS-related conditions and no experimental evidence demonstrating its impact on protein function have been reported. Several truncating variants downstream of this change has been classified as pathogenic by our low lab. No submitters have cited clinical-significance assessments for this variant to ClinVar. Based on the evidence outlined above, the variant was classified as pathogenic.